The following is an entry in ClinVar:

ClinVar aggregate classification (germline): Conflicting classifications of pathogenicity. Review status: criteria provided, conflicting classifications (1 of 4 stars). 2 submissions from 2 submitters: Likely pathogenic (1); Uncertain significance (1). Last evaluated 2023-07-25.

Conditions:
WDFY3-related disorder.

Submissions (2):

Blueprint Genetics
Classification: Likely pathogenic for WDFY3-related disorders. Last evaluated: 2023-07-25. Review status: criteria provided, single submitter. Criteria: ACMG Guidelines, 2015. Collection method: clinical testing. Allele origin: germline. Affected: yes. Observed: 1 variant allele.

GeneDx
Classification: Uncertain significance. Last evaluated: 2019-12-24. Review status: criteria provided, single submitter. Criteria: GeneDx Variant Classification Process June 2021. Collection method: clinical testing. Allele origin: germline. Affected: yes.
Comment: Not observed in large population cohorts (Lek et al., 2016); Canonical splice site variant in a gene for which loss-of-function is not a known mechanism of disease; Has not been previously published as pathogenic or benign to our knowledge

NM_014991.6(WDFY3):c.1123+1G>A

Gene: WDFY3 (WD repeat and FYVE domain containing 3; minus strand). Cytogenetic location: 4q21.23.
Variant type: single nucleotide variant.
Coding change: c.1123+1G>A on transcript NM_014991.6 (MANE Select); the canonical splice donor site of the intron after coding-DNA position 1123, G replaced by A.
Molecular consequence: splice donor variant.
Genome position (GRCh38, 1-based): chr4:84,826,814, C>T on the plus strand (G>A on the coding strand, the complement: WDFY3 is on the minus strand). VCF-style: chr4-84826814-C-T. GRCh37 (hg19) VCF-style: chr4-85747967-C-T.
Identifiers: ClinVar variation 1311462 (VCV001311462.3), dbSNP rs2149875746, ClinGen allele CA357573195.